The following is an entry in ClinVar:

ClinVar aggregate classification (germline): Uncertain significance (1 of 4 stars; one submission).

gnomAD v4.1: 1 of 1,613,958 alleles (0.000062%); highest among the groups gnomAD compares: Non-Finnish European, 0.000085%; no homozygotes.

Submission:

CeGaT Center for Human Genetics Tuebingen
Classification: Uncertain significance. Last evaluated: 2026-03-01. Review status: criteria provided, single submitter. Criteria: CeGaT Center For Human Genetics Tuebingen Variant Classification Criteria Version 2. Collection method: clinical testing. Allele origin: germline. Affected: yes. Observed: 1 variant allele.
Comment: DST: PM2

NM_001374736.1(DST):c.3959A>G (p.Gln1320Arg)

Gene: DST (dystonin; minus strand). Cytogenetic location: 6p12.1.
Variant type: single nucleotide variant.
Coding change: c.3959A>G on transcript NM_001374736.1 (MANE Select); coding-DNA position 3959, A replaced by G.
Protein change: p.Gln1320Arg; replaces glutamine 1320 with arginine.
Molecular consequence: missense variant.
Genome position (GRCh38, 1-based): chr6:56,631,887, T>C on the plus strand (A>G on the coding strand, the complement: DST is on the minus strand). VCF-style: chr6-56631887-T-C. GRCh37 (hg19) VCF-style: chr6-56496685-T-C.
Other names: c.3860A>G, p.Gln1287Arg (NM_001144769.5); c.3446A>G, p.Gln1149Arg (NM_001144770.2); c.3959A>G, p.Gln1320Arg (NM_001374722.1); c.3326A>G, p.Gln1109Arg (NM_001374729.1, NM_001374730.1, NM_001386100.1 and 1 more transcripts); c.3986A>G, p.Gln1329Arg (NM_001374734.1); c.2348A>G, p.Gln783Arg (NM_001723.7, NM_015548.5); short protein forms Q1109R, Q1149R, Q1287R, Q1320R, Q1329R, Q783R.
Identifiers: ClinVar variation 4823816 (VCV004823816.4).